The following is an entry in ClinVar:

NM_003227.4(TFR2):c.1132C>T (p.Gln378Ter)

Gene: TFR2 (transferrin receptor 2; minus strand). Cytogenetic location: 7q22.1.
Variant type: single nucleotide variant.
Coding change: c.1132C>T on transcript NM_003227.4 (MANE Select); coding-DNA position 1132, C replaced by T.
Protein change: p.Gln378Ter; replaces glutamine 378 with a stop codon.
Molecular consequence: nonsense.
Genome position (GRCh38, 1-based): chr7:100,631,027, G>A on the plus strand (C>T on the coding strand, the complement: TFR2 is on the minus strand). VCF-style: chr7-100631027-G-A. GRCh37 (hg19) VCF-style: chr7-100228650-G-A.
Other names: c.619C>T, p.Gln207Ter (NM_001206855.3); short protein forms Q207*, Q378*.
Identifiers: ClinVar variation 3392499 (VCV003392499.2).

ClinVar aggregate classification (germline): Likely pathogenic (1 of 4 stars; one submission).

Conditions:
Hemochromatosis type 3 (HFE3). Also called: Hereditary hemochromatosis type 3; HEMOCHROMATOSIS DUE TO DEFECT IN TRANSFERRIN RECEPTOR 2; TFR2-Related Hemochromatosis. Identifiers: Orphanet 225123, MedGen C1858664, MONDO:0011417, OMIM 604250.

Submission:

Juno Genomics, Hangzhou Juno Genomics, Inc
Classification: Likely pathogenic for Hemochromatosis type 3. Review status: criteria provided, single submitter. Criteria: ACMG Guidelines, 2015. Collection method: clinical testing. Allele origin: germline. Affected: yes.
Comment: Absent from controls (or at extremely low frequency if recessive) in Genome Aggregation Database, Exome Sequencing Project, 1000 Genomes Project, or Exome Aggregation Consortium.;Null variant in a gene where loss of function (LOF) is a known mechanism of disease.